The following is an entry in ClinVar:

NM_153717.3(EVC):c.1662_1663del (p.Cys554_Asp555delinsTer)

Gene: EVC (EvC ciliary complex subunit 1; plus strand). Cytogenetic location: 4p16.2.
Variant type: Microsatellite.
Coding change: c.1662_1663del on transcript NM_153717.3 (MANE Select); coding-DNA positions 1662 to 1663, 2 bases deleted (TG; older notation c.1662_1663delTG).
Protein change: p.Cys554_Asp555delinsTer.
Molecular consequence: nonsense.
Genome position (GRCh38, 1-based): chr4:5,783,650-5,783,651, TG deleted; deleting any 2 consecutive bases within chr4:5,783,647-5,783,651 gives the same sequence; the c. name uses the placement nearest the transcript's 3' end. VCF-style (leftmost placement, unchanged base first): chr4-5783646-AGT-A. GRCh37 (hg19) VCF-style: chr4-5785373-AGT-A.
Other names: c.1662_1663del, p.Cys554_Asp555delinsTer (NM_001306090.2).
Identifiers: ClinVar variation 3590657 (VCV003590657.2).

ClinVar aggregate classification (germline): Pathogenic/Likely pathogenic. Review status: criteria provided, multiple submitters, no conflicts (2 of 4 stars). 2 submissions from 2 submitters: Pathogenic (1); Likely pathogenic (1). Last evaluated 2025-03-31.

Conditions:
Curry-Hall syndrome (WAD). Also called: WEYERS ACRODENTAL DYSOSTOSIS. Identifiers: Orphanet 952, MedGen C0457013, MONDO:0008673, OMIM 193530.
Ellis-van Creveld syndrome (EVC). Also called: MESOECTODERMAL DYSPLASIA; Chondroectodermal dysplasia; EVC-Related Ellis-van Creveld Syndrome; EVC2-Related Ellis-van Creveld Syndrome. Identifiers: Orphanet 289, MedGen C0013903, MONDO:0009162, OMIM 225500.

Submissions (2):

Myriad Genetics, Inc.
Classification: Pathogenic for Ellis-van Creveld syndrome. Last evaluated: 2025-03-31. Review status: criteria provided, single submitter. Criteria: Myriad Autosomal Dominant, Autosomal Recessive and X-Linked Classification Criteria (2023). Collection method: clinical testing. Allele origin: unknown.
Comment: NM_153717.2(EVC):c.1662_1663delTG(C554*) is a frameshift variant classified as pathogenic in the context of EVC-related Ellis-van Creveld syndrome. C554* has not been observed in cases with relevant disease. Relevant functional assessments of this variant are not available in the literature. C554* has not been observed in referenced population frequency databases. In summary, NM_153717.2(EVC):c.1662_1663delTG(C554*) is a frameshift variant in a gene where loss of function is a known mechanism of disease and is predicted to disrupt protein function. Please note: this variant was assessed in the context of healthy population screening.

Fulgent Genetics
Classification: Likely pathogenic for Curry-Hall syndrome; Ellis-van Creveld syndrome. Last evaluated: 2024-04-02. Review status: criteria provided, single submitter. Criteria: ACMG Guidelines, 2015. Collection method: clinical testing. Allele origin: germline.